The following is an entry in ClinVar:

NM_006767.4(LZTR1):c.2113C>T (p.Gln705Ter)

Gene: LZTR1 (leucine zipper like post translational regulator 1; plus strand). Cytogenetic location: 22q11.21.
Variant type: single nucleotide variant.
Coding change: c.2113C>T on transcript NM_006767.4 (MANE Select); coding-DNA position 2113, C replaced by T.
Protein change: p.Gln705Ter; replaces glutamine 705 with a stop codon.
Molecular consequence: nonsense.
Genome position (GRCh38, 1-based): chr22:20,996,006, C>T. VCF-style: chr22-20996006-C-T. GRCh37 (hg19) VCF-style: chr22-21350295-C-T.
Other names: short protein forms Q705*.
Identifiers: ClinVar variation 1324691 (VCV001324691.10), dbSNP rs778396468, ClinGen allele CA10119251.

ClinVar aggregate classification (germline): Pathogenic/Likely pathogenic. Review status: criteria provided, multiple submitters, no conflicts (2 of 4 stars). 3 submissions from 3 submitters: Pathogenic (2); Likely pathogenic (1). Last evaluated 2024-08-26.

Conditions:
Hereditary cancer-predisposing syndrome. Also called: Hereditary Cancer Syndrome; Tumor predisposition; Neoplastic Syndromes, Hereditary; Hereditary neoplastic syndrome. Identifiers: Orphanet 140162, MedGen C0027672, MeSH D009386, MONDO:0015356.
Cardiovascular phenotype. Identifiers: MedGen CN230736.

Allele frequency attached by ClinVar (database versions not stated): gnomAD exomes below 0.00001; ExAC 0.00001.

Submissions (3):

Ambry Genetics
Classification: Pathogenic for Cardiovascular phenotype; Hereditary cancer-predisposing syndrome. Last evaluated: 2024-08-26. Review status: criteria provided, single submitter. Criteria: Ambry Variant Classification Scheme 2023. Collection method: clinical testing. Allele origin: germline.
Comment: The p.Q705* pathogenic mutation (also known as c.2113C>T), located in coding exon 18 of the LZTR1 gene, results from a C to T substitution at nucleotide position 2113. This changes the amino acid from a glutamine to a stop codon within coding exon 18. This alteration is expected to result in loss of function by premature protein truncation or nonsense-mediated mRNA decay. Loss-of-function variants in LZTR1 are related to an increased risk for schwannomas and autosomal recessive Noonan syndrome; however, such associations with autosomal dominant Noonan syndrome have not been observed (Piotrowski A et al. Nat Genet. 2014 Feb;46:182-7; Yamamoto GL et al. J Med Genet. 2015 Jun;52:413-21; Johnston JJ et al. Genet Med. 2018 10;20:1175-1185). Based on the supporting evidence, this variant is pathogenic for an increased risk of LZTR1-related schwannomatosis (SWN) and would be expected to cause autosomal recessive Noonan syndrome when present along with a second pathogenic or likely pathogenic variant on the other allele; however, the association of this alteration with autosomal dominant Noonan syndrome is unlikely.

Labcorp Genetics (formerly Invitae), Labcorp
Classification: Pathogenic. Last evaluated: 2021-03-08. Review status: criteria provided, single submitter. Criteria: Invitae Variant Classification Sherloc (09022015). Collection method: clinical testing. Allele origin: germline.
Comment: For these reasons, this variant has been classified as Pathogenic. Algorithms developed to predict the effect of sequence changes on RNA splicing suggest that this variant may create or strengthen a splice site, but this prediction has not been confirmed by published transcriptional studies. This variant has not been reported in the literature in individuals with LZTR1-related conditions. This variant is present in population databases (rs778396468, ExAC 0.006%). This sequence change creates a premature translational stop signal (p.Gln705*) in the LZTR1 gene. It is expected to result in an absent or disrupted protein product. Loss-of-function variants in LZTR1 are known to be pathogenic (PMID: 24362817, 25335493, 25480913, 29469822, 30442762, 30859559).

Revvity Omics, Revvity
Classification: Likely pathogenic. Last evaluated: 2020-09-23. Review status: criteria provided, single submitter. Criteria: ACMG Guidelines, 2015. Collection method: clinical testing. Allele origin: germline.

Literature cited by the submitters: PubMed 24362817 (cited by Labcorp Genetics (formerly Invitae), Labcorp); PubMed 25335493 (cited by Labcorp Genetics (formerly Invitae), Labcorp); PubMed 25480913 (cited by Labcorp Genetics (formerly Invitae), Labcorp); PubMed 29469822 (cited by Labcorp Genetics (formerly Invitae), Labcorp); PubMed 30442762 (cited by Labcorp Genetics (formerly Invitae), Labcorp); PubMed 30859559 (cited by Labcorp Genetics (formerly Invitae), Labcorp).